The following is an entry in ClinVar:

NM_138694.4(PKHD1):c.9533G>A (p.Gly3178Asp)

Gene: PKHD1 (PKHD1 ciliary IPT domain containing fibrocystin/polyductin; minus strand). Cytogenetic location: 6p12.3.
Variant type: single nucleotide variant.
Coding change: c.9533G>A on transcript NM_138694.4 (MANE Select); coding-DNA position 9533, G replaced by A.
Protein change: p.Gly3178Asp; replaces glycine 3178 with aspartic acid.
Molecular consequence: missense variant.
Genome position (GRCh38, 1-based): chr6:51,748,083, C>T on the plus strand (G>A on the coding strand, the complement: PKHD1 is on the minus strand). VCF-style: chr6-51748083-C-T. GRCh37 (hg19) VCF-style: chr6-51612881-C-T.
Other names: c.9533G>A, p.Gly3178Asp (NM_170724.3); c.9533G>A (NM_138694.3); short protein forms G3178D.
Identifiers: ClinVar variation 3593772 (VCV003593772.2).

ClinVar aggregate classification (germline): Uncertain significance. Review status: criteria provided, multiple submitters, no conflicts (2 of 4 stars). 2 submissions from 2 submitters: Uncertain significance (2). Last evaluated 2025-09-03.

Conditions:
PKHD1-related disorder. Also called: PKHD1-related condition.
Polycystic kidney disease 4 (PKD4). Also called: POLYCYSTIC KIDNEY DISEASE 4 WITH OR WITHOUT POLYCYSTIC LIVER DISEASE; PKD3; POLYCYSTIC KIDNEY AND HEPATIC DISEASE 1; POLYCYSTIC KIDNEY DISEASE, INFANTILE, TYPE I; Autosomal Recessive Polycystic Kidney Disease – PKHD1. Identifiers: MedGen C4540575, MONDO:0033004, OMIM 263200.

gnomAD v4.1: 2 of 1,613,774 alleles (0.00012%); highest among the groups gnomAD compares: African/African-American, 0.0013%; no homozygotes.

Submissions (2):

PreventionGenetics, part of Exact Sciences
Classification: Uncertain significance for PKHD1-related condition. Last evaluated: 2025-09-03. Review status: criteria provided, single submitter. Criteria: ACMG Guidelines, 2015. Collection method: clinical testing. Allele origin: germline.
Comment: The PKHD1 c.9533G>A variant is predicted to result in the amino acid substitution p.Gly3178Asp. To our knowledge, this variant has not been reported in the literature. This variant is reported in 0.0080% of alleles in individuals of African descent in gnomAD. At this time, the clinical significance of this variant is uncertain due to the absence of conclusive functional and genetic evidence.

Fulgent Genetics
Classification: Uncertain significance for Polycystic kidney disease 4. Last evaluated: 2024-05-14. Review status: criteria provided, single submitter. Criteria: ACMG Guidelines, 2015. Collection method: clinical testing. Allele origin: germline.